The following is an entry in ClinVar:

ClinVar aggregate classification (germline): Likely pathogenic (1 of 4 stars; one submission).

Conditions:
Cranioectodermal dysplasia 4 (CED4). Identifiers: Orphanet 1515, MedGen C3280616, MONDO:0013719, OMIM 614378.

Submission:

Institute of Medical Genetics and Genomics, Sir Ganga Ram Hospital
Classification: Likely pathogenic for Cranioectodermal dysplasia 4. Last evaluated: 2023-06-21. Review status: criteria provided, single submitter. Criteria: ACMG Guidelines, 2015. Collection method: clinical testing. Allele origin: germline. Inheritance: Autosomal recessive inheritance. Affected: yes. Observed: 1 compound heterozygote.
Comment: This variant has been identified in compound heterozygous state with c.98+5G>T variant.

NM_025132.4(WDR19):c.2887C>T (p.Gln963Ter)

Gene: WDR19 (WD repeat domain 19; plus strand). Cytogenetic location: 4p14.
Variant type: single nucleotide variant.
Coding change: c.2887C>T on transcript NM_025132.4 (MANE Select); coding-DNA position 2887, C replaced by T.
Protein change: p.Gln963Ter; replaces glutamine 963 with a stop codon.
Molecular consequence: nonsense.
Genome position (GRCh38, 1-based): chr4:39,253,916, C>T. VCF-style: chr4-39253916-C-T. GRCh37 (hg19) VCF-style: chr4-39255536-C-T.
Other names: c.2407C>T, p.Gln803Ter (NM_001317924.2); short protein forms Q803*, Q963*.
Identifiers: ClinVar variation 2506391 (VCV002506391.2), dbSNP rs1460409474, ClinGen allele CA356641737.